The following is an entry in ClinVar:

ClinVar aggregate classification (germline): Likely pathogenic (1 of 4 stars; one submission).

Conditions:
Acrocallosal syndrome (ACLS). Also called: Schinzel syndrome 1; Absence of corpus callosum with unusual facial appearance, mental deficiency, duplication of the halluces and polydactyly; HALLUX DUPLICATION, POSTAXIAL POLYDACTYLY, AND ABSENCE OF CORPUS CALLOSUM. Identifiers: Orphanet 36, MedGen C0796147, MONDO:0008708, OMIM 200990.
Multiple epiphyseal dysplasia, Al-Gazali type. Also called: Macrocephaly with multiple epiphyseal dysplasia and distinctive facies. Identifiers: Orphanet 166024, MedGen C1846722, MONDO:0011778, OMIM 607131.
Hydrolethalus syndrome 2 (HLS2). Identifiers: Orphanet 2189, MedGen C3279899, MONDO:0013585, OMIM 614120.

Submission:

First Genomix Gene Laboratory, Genetic Diagnostics Department
Classification: Likely pathogenic for Multiple epiphyseal dysplasia, Al-Gazali type; Hydrolethalus syndrome 2; Acrocallosal syndrome. Last evaluated: 2025-03-18. Review status: criteria provided, single submitter. Criteria: ACMG Guidelines, 2015. Collection method: clinical testing. Allele origin: germline. Inheritance: Autosomal recessive inheritance. Affected: no. Observed: 1 variant allele.

NM_198525.3(KIF7):c.417_420del (p.Cys139fs)

Gene: KIF7 (kinesin family member 7; minus strand). Cytogenetic location: 15q26.1.
Variant type: Deletion.
Coding change: c.417_420del on transcript NM_198525.3 (MANE Select); coding-DNA positions 417 to 420, 4 bases deleted (TCTG; older notation c.417_420delTCTG).
Protein change: p.Cys139fs; shifts the reading frame from cysteine 139.
Molecular consequence: frameshift variant.
Genome position (GRCh38, 1-based): chr15:89,649,850-89,649,853, CAGA deleted on the plus strand (TCTG on the coding strand, the reverse complement: KIF7 is on the minus strand); deleting any 4 consecutive bases within chr15:89,649,850-89,649,856 gives the same sequence; the c. name uses the placement nearest the transcript's 3' end. VCF-style (leftmost placement, unchanged base first): chr15-89649849-CCAGA-C. GRCh37 (hg19) VCF-style: chr15-90193080-CCAGA-C.
Other names: c.417_420delTCTG (NM_198525.3); short protein forms C139fs.
Identifiers: ClinVar variation 4845879 (VCV004845879.1).